The following is an entry in ClinVar:

NM_001040108.2(MLH3):c.3949C>A (p.Arg1317=)

Gene: MLH3 (mutL homolog 3; minus strand). Cytogenetic location: 14q24.3.
Variant type: single nucleotide variant.
Coding change: c.3949C>A on transcript NM_001040108.2 (MANE Select); coding-DNA position 3949, C replaced by A.
Protein change: p.Arg1317=; no amino-acid change (arginine 1317 retained).
Molecular consequence: synonymous variant.
Genome position (GRCh38, 1-based): chr14:75,030,581, G>T on the plus strand (C>A on the coding strand, the complement: MLH3 is on the minus strand). VCF-style: chr14-75030581-G-T. GRCh37 (hg19) VCF-style: chr14-75497284-G-T.
Other names: c.3877C>A, p.Arg1293= (NM_014381.3).
Identifiers: ClinVar variation 5042137 (VCV005042137.1).

ClinVar aggregate classification (germline): Benign (1 of 4 stars; one submission).

Conditions:
Colorectal cancer, hereditary nonpolyposis, type 7. Identifiers: Orphanet 144, MedGen C1858380, MONDO:0013725, OMIM 614385.

gnomAD v4.1: 1 of 1,614,052 alleles (0.000062%); highest among the groups gnomAD compares: African/African-American, 0.0013%; no homozygotes.

Submission:

Myriad Genetics, Inc.
Classification: Benign for Colorectal cancer, hereditary nonpolyposis, type 7. Last evaluated: 2026-09-22. Review status: criteria provided, single submitter. Criteria: Myriad Autosomal Dominant, Autosomal Recessive and X-Linked Classification Criteria (2023). Collection method: clinical testing. Allele origin: unknown.
Comment: This variant is considered benign. This variant is a silent/synonymous amino acid change and it is not expected to impact splicing.